The following is an entry in ClinVar:

NM_001351132.2(PEX5):c.1267T>C (p.Cys423Arg)

Gene: PEX5 (peroxisomal biogenesis factor 5; plus strand). Cytogenetic location: 12p13.31.
Variant type: single nucleotide variant.
Coding change: c.1267T>C on transcript NM_001351132.2 (MANE Select); coding-DNA position 1267, T replaced by C.
Protein change: p.Cys423Arg; replaces cysteine 423 with arginine.
Molecular consequence: missense variant.
Genome position (GRCh38, 1-based): chr12:7,208,542, T>C. VCF-style: chr12-7208542-T-C. GRCh37 (hg19) VCF-style: chr12-7361138-T-C.
Other names: c.1243T>C, p.Cys415Arg (NM_000319.5); c.1312T>C, p.Cys438Arg (NM_001131023.2); c.1156T>C, p.Cys386Arg (NM_001131024.2, NM_001351124.3, NM_001351126.2 and 7 more transcripts); c.1267T>C, p.Cys423Arg (NM_001131025.2, NM_001131026.2, NM_001300789.3 and 4 more transcripts); c.1201T>C, p.Cys401Arg (NM_001351135.3, NM_001351138.2); c.1258T>C, p.Cys420Arg (NM_001351136.2); c.1132T>C, p.Cys378Arg (NM_001351139.2, NM_001351140.2, NM_001374649.2); short protein forms C378R, C386R, C423R, C438R, C401R, C420R, C415R.
Identifiers: ClinVar variation 1524845 (VCV001524845.6), dbSNP rs2136236516, ClinGen allele CA383733050.
Genomic context (GRCh38, chr12:7,208,542, plus strand): 5'-CAGACAGCACTGATGGCGCTGGCTGTGAGCTTCACCAACGAGTCCCTGCAGCGACAGGCC[T>C]GTGAAACCCTACGAGACTGGCTGCGGTACACACCAGCCTATGCCCATCTGGTGACACCTG-3'
Protein context (NP_001338061.1, residues 413-433): FTNESLQRQA[Cys423Arg]ETLRDWLRYT

ClinVar aggregate classification (germline): Uncertain significance (1 of 4 stars; one submission).

Conditions:
Peroxisome biogenesis disorder 2B (PBD2B). Identifiers: Orphanet 44, MedGen C3550234, MONDO:0008736, OMIM 202370.

Submission:

Labcorp Genetics (formerly Invitae), Labcorp
Classification: Uncertain significance for Peroxisome biogenesis disorder 2B. Last evaluated: 2022-12-06. Review status: criteria provided, single submitter. Criteria: Invitae Variant Classification Sherloc (09022015). Collection method: clinical testing. Allele origin: germline.
Comment: In summary, the available evidence is currently insufficient to determine the role of this variant in disease. Therefore, it has been classified as a Variant of Uncertain Significance. Advanced modeling of protein sequence and biophysical properties (such as structural, functional, and spatial information, amino acid conservation, physicochemical variation, residue mobility, and thermodynamic stability) performed at Invitae indicates that this missense variant is expected to disrupt PEX5 protein function. ClinVar contains an entry for this variant (Variation ID: 1524845). This variant has not been reported in the literature in individuals affected with PEX5-related conditions. This variant is not present in population databases (gnomAD no frequency). This sequence change replaces cysteine, which is neutral and slightly polar, with arginine, which is basic and polar, at codon 423 of the PEX5 protein (p.Cys423Arg).